The following is an entry in ClinVar:

NM_001379286.1(ZNF423):c.930G>T (p.Glu310Asp)

Gene: ZNF423 (zinc finger protein 423; minus strand). Cytogenetic location: 16q12.1.
Variant type: single nucleotide variant.
Coding change: c.930G>T on transcript NM_001379286.1 (MANE Select); coding-DNA position 930, G replaced by T.
Protein change: p.Glu310Asp; replaces glutamic acid 310 with aspartic acid.
Molecular consequence: missense variant.
Genome position (GRCh38, 1-based): chr16:49,638,246, C>A on the plus strand (G>T on the coding strand, the complement: ZNF423 is on the minus strand). VCF-style: chr16-49638246-C-A. GRCh37 (hg19) VCF-style: chr16-49672157-C-A.
Other names: c.726G>T, p.Glu242Asp (NM_001271620.2); c.555G>T, p.Glu185Asp (NM_001330533.2); c.906G>T, p.Glu302Asp (NM_015069.5); short protein forms E185D, E242D, E302D, E310D.
Identifiers: ClinVar variation 1714312 (VCV001714312.5), dbSNP rs755577102, ClinGen allele CA395850996.

ClinVar aggregate classification (germline): Uncertain significance (1 of 4 stars; one submission).

Conditions:
Nephronophthisis 14 (NPHP14). Identifiers: Orphanet 2318, MedGen C3539071, MONDO:0013916, OMIM 614844.

Submission:

Labcorp Genetics (formerly Invitae), Labcorp
Classification: Uncertain significance for Nephronophthisis 14. Last evaluated: 2022-07-30. Review status: criteria provided, single submitter. Criteria: Invitae Variant Classification Sherloc (09022015). Collection method: clinical testing. Allele origin: germline.
Comment: This variant has not been reported in the literature in individuals affected with ZNF423-related conditions. Algorithms developed to predict the effect of missense changes on protein structure and function (SIFT, PolyPhen-2, Align-GVGD) all suggest that this variant is likely to be tolerated. In summary, the available evidence is currently insufficient to determine the role of this variant in disease. Therefore, it has been classified as a Variant of Uncertain Significance. This variant is not present in population databases (gnomAD no frequency). This sequence change replaces glutamic acid, which is acidic and polar, with aspartic acid, which is acidic and polar, at codon 302 of the ZNF423 protein (p.Glu302Asp).